The following is an entry in ClinVar:

ClinVar aggregate classification (germline): Conflicting classifications of pathogenicity. Review status: criteria provided, conflicting classifications (1 of 4 stars). 2 submissions from 2 submitters: Uncertain significance (1); Likely benign (1). Last evaluated 2024-12-10.

Allele frequency attached by ClinVar (database versions not stated): ExAC 0.00001; gnomAD exomes 0.00001; gnomAD 0.00005; TOPMed 0.00011.
gnomAD v4.1: 13 of 1,613,658 alleles (0.00081%); highest among the groups gnomAD compares: African/African-American, 0.011%; no homozygotes.

Submissions (2):

Labcorp Genetics (formerly Invitae), Labcorp
Classification: Uncertain significance. Last evaluated: 2024-12-10. Review status: criteria provided, single submitter. Criteria: Invitae Variant Classification Sherloc (09022015). Collection method: clinical testing. Allele origin: germline.
Comment: This sequence change replaces isoleucine, which is neutral and non-polar, with valine, which is neutral and non-polar, at codon 640 of the ZNF687 protein (p.Ile640Val). This variant is present in population databases (rs763426689, gnomAD 0.01%). This variant has not been reported in the literature in individuals affected with ZNF687-related conditions. ClinVar contains an entry for this variant (Variation ID: 2420489). An algorithm developed to predict the effect of missense changes on protein structure and function outputs the following: PolyPhen-2: "Benign". The valine amino acid residue is found in multiple mammalian species, which suggests that this missense change does not adversely affect protein function. In summary, the available evidence is currently insufficient to determine the role of this variant in disease. Therefore, it has been classified as a Variant of Uncertain Significance.

Ambry Genetics
Classification: Likely benign. Last evaluated: 2023-12-19. Review status: criteria provided, single submitter. Criteria: Ambry Variant Classification Scheme 2023. Collection method: clinical testing. Allele origin: germline.

NM_020832.3(ZNF687):c.1918A>G (p.Ile640Val)

Gene: ZNF687 (zinc finger protein 687; plus strand). Cytogenetic location: 1q21.3.
Variant type: single nucleotide variant.
Coding change: c.1918A>G on transcript NM_020832.3 (MANE Select); coding-DNA position 1918, A replaced by G.
Protein change: p.Ile640Val; replaces isoleucine 640 with valine.
Molecular consequence: missense variant.
Genome position (GRCh38, 1-based): chr1:151,288,209, A>G. VCF-style: chr1-151288209-A-G. GRCh37 (hg19) VCF-style: chr1-151260685-A-G.
Other names: c.1918A>G, p.Ile640Val (NM_001304763.2, NM_001304764.2); c.1918A>G (NM_020832.1); short protein forms I640V.
Identifiers: ClinVar variation 2420489 (VCV002420489.7), dbSNP rs763426689, ClinGen allele CA1088417.